The following is an entry in ClinVar:

NM_001035.3(RYR2):c.5716-3T>A

Gene: RYR2 (ryanodine receptor 2; plus strand). Cytogenetic location: 1q43.
Variant type: single nucleotide variant.
Coding change: c.5716-3T>A on transcript NM_001035.3 (MANE Select); 3 bases into the intron before coding-DNA position 5716, T replaced by A.
Molecular consequence: intron variant.
Genome position (GRCh38, 1-based): chr1:237,617,283, T>A. VCF-style: chr1-237617283-T-A. GRCh37 (hg19) VCF-style: chr1-237780583-T-A.
Other names: c.5716-3T>A (LRG_402t1).
Identifiers: ClinVar variation 653770 (VCV000653770.10), dbSNP rs1573142057, ClinGen allele CA915942082.

ClinVar aggregate classification (germline): Uncertain significance (1 of 4 stars; one submission).

Conditions:
Catecholaminergic polymorphic ventricular tachycardia 1. Also called: RYR2-Related Catecholaminergic Polymorphic Ventricular Tachycardia; VENTRICULAR TACHYCARDIA, CATECHOLAMINERGIC POLYMORPHIC, 1, WITH OR WITHOUT ATRIAL DYSFUNCTION AND/OR DILATED CARDIOMYOPATHY; VENTRICULAR TACHYCARDIA, STRESS-INDUCED POLYMORPHIC 1. Identifiers: Orphanet 3286, MedGen C1631597, MONDO:0011484, OMIM 604772.

Submission:

Labcorp Genetics (formerly Invitae), Labcorp
Classification: Uncertain significance for Catecholaminergic polymorphic ventricular tachycardia 1. Last evaluated: 2018-09-14. Review status: criteria provided, single submitter. Criteria: Invitae Variant Classification Sherloc (09022015). Collection method: clinical testing. Allele origin: germline.
Comment: In summary, the available evidence is currently insufficient to determine the role of this variant in disease. Therefore, it has been classified as a Variant of Uncertain Significance. Nucleotide substitutions within the consensus splice site are a relatively common cause of aberrant splicing (PMID: 17576681, 9536098). Algorithms developed to predict the effect of sequence changes on RNA splicing suggest that this variant may disrupt the consensus splice site, but this prediction has not been confirmed by published transcriptional studies. This variant has not been reported in the literature in individuals with RYR2-related disease. This variant is not present in population databases (ExAC no frequency). This sequence change falls in intron 37 of the RYR2 gene. It does not directly change the encoded amino acid sequence of the RYR2 protein, but it affects a nucleotide within the consensus splice site of the intron.

Literature cited by the submitters: PubMed 17576681; PubMed 9536098.